The following is an entry in ClinVar:

NM_000781.3(CYP11A1):c.1276C>T (p.Pro426Ser)

Gene: CYP11A1 (cytochrome P450 family 11 subfamily A member 1; minus strand). Cytogenetic location: 15q24.1.
Variant type: single nucleotide variant.
Coding change: c.1276C>T on transcript NM_000781.3 (MANE Select); coding-DNA position 1276, C replaced by T.
Protein change: p.Pro426Ser; replaces proline 426 with serine.
Molecular consequence: missense variant.
Genome position (GRCh38, 1-based): chr15:74,338,729, G>A on the plus strand (C>T on the coding strand, the complement: CYP11A1 is on the minus strand). VCF-style: chr15-74338729-G-A. GRCh37 (hg19) VCF-style: chr15-74631070-G-A.
Other names: c.802C>T, p.Pro268Ser (NM_001099773.2); short protein forms P268S, P426S.
Identifiers: ClinVar variation 4534269 (VCV004534269.6).

ClinVar aggregate classification (germline): Uncertain significance (1 of 4 stars; one submission).

Submission:

CeGaT Center for Human Genetics Tuebingen
Classification: Uncertain significance. Last evaluated: 2025-11-01. Review status: criteria provided, single submitter. Criteria: CeGaT Center For Human Genetics Tuebingen Variant Classification Criteria Version 2. Collection method: clinical testing. Allele origin: germline. Affected: yes. Observed: 1 variant allele.
Comment: CYP11A1: PM2, BP4